The following is an entry in ClinVar:

NM_004100.5(EYA4):c.277+1G>A

Gene: EYA4 (EYA transcriptional coactivator and phosphatase 4; plus strand). Cytogenetic location: 6q23.2.
Variant type: single nucleotide variant.
Coding change: c.277+1G>A on transcript NM_004100.5 (MANE Select); the canonical splice donor site of the intron after coding-DNA position 277, G replaced by A.
Molecular consequence: splice donor variant. On other transcripts: intron variant (4).
Genome position (GRCh38, 1-based): chr6:133,448,180, G>A. VCF-style: chr6-133448180-G-A. GRCh37 (hg19) VCF-style: chr6-133769318-G-A.
Other names: c.277+1G>A (NM_001301013.2, NM_172105.4); c.208+1426G>A (NM_001370458.1, NM_172103.4, NM_001370459.1 and 1 more transcripts).
Identifiers: ClinVar variation 2876182 (VCV002876182.3), dbSNP rs1793049226, ClinGen allele CA365838326.

ClinVar aggregate classification (germline): Likely pathogenic (1 of 4 stars; one submission).

Conditions:
Dilated cardiomyopathy 1J (CMD1J). Also called: CARDIOMYOPATHY, DILATED, WITH SENSORINEURAL HEARING LOSS, AUTOSOMAL DOMINANT. Identifiers: Orphanet 217622, MedGen C1854368, MONDO:0011541, OMIM 605362.

Allele frequency attached by ClinVar (database versions not stated): gnomAD exomes below 0.00001.
gnomAD v4.1: 1 of 1,609,932 alleles (0.000062%); highest among the groups gnomAD compares: African/African-American, 0.0013%; no homozygotes.

Submission:

Labcorp Genetics (formerly Invitae), Labcorp
Classification: Likely pathogenic for Dilated cardiomyopathy 1J. Last evaluated: 2023-12-27. Review status: criteria provided, single submitter. Criteria: Invitae Variant Classification Sherloc (09022015). Collection method: clinical testing. Allele origin: germline.
Comment: This sequence change affects a donor splice site in intron 5 of the EYA4 gene. It is expected to disrupt RNA splicing. Variants that disrupt the donor or acceptor splice site typically lead to a loss of protein function (PMID: 16199547), and loss-of-function variants in EYA4 are known to be pathogenic (PMID: 11159937, 25781927, 25963406). This variant is not present in population databases (gnomAD no frequency). This variant has not been reported in the literature in individuals affected with EYA4-related conditions. In summary, the currently available evidence indicates that the variant is pathogenic, but additional data are needed to prove that conclusively. Therefore, this variant has been classified as Likely Pathogenic.

Literature cited by the submitters: PubMed 16199547; PubMed 11159937; PubMed 25781927; PubMed 25963406.